The following is an entry in ClinVar:

NM_024753.5(TTC21B):c.880G>T (p.Ala294Ser)

Gene: TTC21B (tetratricopeptide repeat domain 21B; minus strand). Cytogenetic location: 2q24.3.
Variant type: single nucleotide variant.
Coding change: c.880G>T on transcript NM_024753.5 (MANE Select); coding-DNA position 880, G replaced by T.
Protein change: p.Ala294Ser; replaces alanine 294 with serine.
Molecular consequence: missense variant.
Genome position (GRCh38, 1-based): chr2:165,931,772, C>A on the plus strand (G>T on the coding strand, the complement: TTC21B is on the minus strand). VCF-style: chr2-165931772-C-A. GRCh37 (hg19) VCF-style: chr2-166788282-C-A.
Other names: short protein forms A294S.
Identifiers: ClinVar variation 649177 (VCV000649177.17), dbSNP rs141240501, ClinGen allele CA1942308.
Genomic context (GRCh38, chr2:165,931,772, plus strand): 5'-CTCTACTATAGATAACAGAGCTCTGGTACATGGTAGGCACTCTCACAGTTCTGCTGAAGG[C>A]GAGTGTAATGTTATAGAAAAGTTGAGCATTCTGTGGTTCCATGGCATCCAATGTATTTCC-3'
Protein context (NP_079029.3, residues 284-304): NAQLFYNITL[Ala294Ser]FSRTCGRSQL

ClinVar aggregate classification (germline): Conflicting classifications of pathogenicity. Review status: criteria provided, conflicting classifications (1 of 4 stars). 7 submissions from 6 submitters: Uncertain significance (4); Benign (1); Likely benign (2). Last evaluated 2026-01-26.

Conditions:
Nephronophthisis 12 (NPHP12). Identifiers: Orphanet 655, MedGen C3151186, MONDO:0013442, OMIM 613820.
Asphyxiating thoracic dystrophy 4 (SRTD4). Also called: SHORT-RIB THORACIC DYSPLASIA 4; SHORT-RIB THORACIC DYSPLASIA 4 WITH OR WITHOUT POLYDACTYLY. Identifiers: Orphanet 474, MedGen C3151185, MONDO:0013441, OMIM 613819.
Nephronophthisis. Also called: Juvenile Nephronophthisis. Identifiers: Orphanet 655, MedGen C0687120, MONDO:0019005, HP:0000090.
Jeune thoracic dystrophy. Also called: Short-rib thoracic dysplasia; Jeune syndrome; Infantile thoracic dystrophy; Thoracic pelvic phalangeal dystrophy; Jeune's syndrome; Chondroectodermal dysplasia-like syndrome. Identifiers: Orphanet 474, MedGen C0265275, MONDO:0018770.
TTC21B-related disorder. Also called: TTC21B-related condition; TTC21B-related disorders.

Allele frequency attached by ClinVar (database versions not stated): TOPMed 0.00027; ESP Exome Variant Server 0.00031; gnomAD 0.00048; 1000 Genomes Project 30x 0.00094; 1000 Genomes Project 0.00120.
gnomAD v4.1: 133 of 1,613,034 alleles (0.0082%); highest among the groups gnomAD compares: East Asian, 0.11%; 1 homozygote.

Submissions (7):

Labcorp Genetics (formerly Invitae), Labcorp
Classification: Likely benign for Jeune thoracic dystrophy; Nephronophthisis. Last evaluated: 2026-01-26. Review status: criteria provided, single submitter. Criteria: Invitae Variant Classification Sherloc (09022015). Collection method: clinical testing. Allele origin: germline.

PreventionGenetics, part of Exact Sciences
Classification: Likely benign for TTC21B-related condition. Last evaluated: 2025-06-27. Review status: criteria provided, single submitter. Criteria: ACMG Guidelines, 2015. Collection method: clinical testing. Allele origin: germline.
Comment: This variant is classified as likely benign based on ACMG/AMP sequence variant interpretation guidelines (Richards et al. 2015 PMID: 25741868, with internal and published modifications).

Blueprint Genetics
Classification: Benign. Last evaluated: 2024-11-26. Review status: criteria provided, single submitter. Criteria: ACMG Guidelines, 2015. Collection method: clinical testing. Allele origin: germline.

Fulgent Genetics
Classification: Uncertain significance for Asphyxiating thoracic dystrophy 4; Nephronophthisis 12. Last evaluated: 2024-06-12. Review status: criteria provided, single submitter. Criteria: ACMG Guidelines, 2015. Collection method: clinical testing. Allele origin: germline.

GeneDx
Classification: Uncertain significance. Last evaluated: 2023-02-02. Review status: criteria provided, single submitter. Criteria: GeneDx Variant Classification Process June 2021. Collection method: clinical testing. Allele origin: germline. Affected: yes.
Comment: In silico analysis supports that this missense variant does not alter protein structure/function; This variant is associated with the following publications: (PMID: 33323469, 32173348, 36263627)

Illumina Laboratory Services, Illumina
Classification: Uncertain significance for Nephronophthisis 12. Last evaluated: 2018-01-13. Review status: criteria provided, single submitter. Criteria: ICSL Variant Classification Criteria 13 December 2019. Collection method: clinical testing. Allele origin: germline.

Illumina Laboratory Services, Illumina
Classification: Uncertain significance for Asphyxiating thoracic dystrophy 4. Last evaluated: 2018-01-13. Review status: criteria provided, single submitter. Criteria: ICSL Variant Classification Criteria 13 December 2019. Collection method: clinical testing. Allele origin: germline.